The following is an entry in ClinVar:

NM_000751.3(CHRND):c.928G>A (p.Gly310Ser)

Gene: CHRND (cholinergic receptor nicotinic delta subunit; plus strand). Cytogenetic location: 2q37.1.
Variant type: single nucleotide variant.
Coding change: c.928G>A on transcript NM_000751.3 (MANE Select); coding-DNA position 928, G replaced by A.
Protein change: p.Gly310Ser; replaces glycine 310 with serine.
Molecular consequence: missense variant.
Genome position (GRCh38, 1-based): chr2:232,531,459, G>A. VCF-style: chr2-232531459-G-A. GRCh37 (hg19) VCF-style: chr2-233396169-G-A.
Other names: c.883G>A, p.Gly295Ser (NM_001256657.2); c.346G>A, p.Gly116Ser (NM_001311195.2); c.625G>A, p.Gly209Ser (NM_001311196.2); c.928G>A (NM_000751.1); short protein forms G116S, G209S, G295S, G310S.
Identifiers: ClinVar variation 1020812 (VCV001020812.9), dbSNP rs771670415, ClinGen allele CA2168194.

ClinVar aggregate classification (germline): Uncertain significance. Review status: criteria provided, multiple submitters, no conflicts (2 of 4 stars). 2 submissions from 2 submitters: Uncertain significance (2). Last evaluated 2025-04-10.

Conditions:
Inborn genetic diseases. Identifiers: MedGen C0950123, MeSH D030342.
Lethal multiple pterygium syndrome (LMPS). Identifiers: Orphanet 33108, MedGen C1854678, MONDO:0009668, OMIM 253290.

Allele frequency attached by ClinVar (database versions not stated): gnomAD 0.00002; gnomAD exomes 0.00003 and 0.00006; TOPMed 0.00003; ExAC 0.00004.

Submissions (2):

Ambry Genetics
Classification: Uncertain significance for Inborn genetic diseases. Last evaluated: 2025-04-10. Review status: criteria provided, single submitter. Criteria: Ambry Variant Classification Scheme 2023. Collection method: clinical testing. Allele origin: germline.

Labcorp Genetics (formerly Invitae), Labcorp
Classification: Uncertain significance for Lethal multiple pterygium syndrome. Last evaluated: 2025-01-27. Review status: criteria provided, single submitter. Criteria: Invitae Variant Classification Sherloc (09022015). Collection method: clinical testing. Allele origin: germline.
Comment: This sequence change replaces glycine, which is neutral and non-polar, with serine, which is neutral and polar, at codon 310 of the CHRND protein (p.Gly310Ser). This variant is present in population databases (rs771670415, gnomAD 0.006%). This variant has not been reported in the literature in individuals affected with CHRND-related conditions. ClinVar contains an entry for this variant (Variation ID: 1020812). Invitae Evidence Modeling of protein sequence and biophysical properties (such as structural, functional, and spatial information, amino acid conservation, physicochemical variation, residue mobility, and thermodynamic stability) indicates that this missense variant is not expected to disrupt CHRND protein function with a negative predictive value of 95%. In summary, the available evidence is currently insufficient to determine the role of this variant in disease. Therefore, it has been classified as a Variant of Uncertain Significance.